The following is an entry in ClinVar:

ClinVar aggregate classification (germline): Pathogenic (1 of 4 stars; one submission).

Conditions:
Ataxia-telangiectasia syndrome (AT). Also called: LOUIS-BAR SYNDROME; Cerebello-oculocutaneous telangiectasia; Immunodeficiency with ataxia telangiectasia; ATAXIA-TELANGIECTASIA, COMPLEMENTATION GROUP A; ATAXIA-TELANGIECTASIA, FRESNO VARIANT; Ataxia-telangiectasia, complementation group D. Identifiers: Orphanet 100, MedGen C0004135, MONDO:0008840, OMIM 208900.

Submission:

Labcorp Genetics (formerly Invitae), Labcorp
Classification: Pathogenic for Ataxia-telangiectasia syndrome. Last evaluated: 2024-07-30. Review status: criteria provided, single submitter. Criteria: Invitae Variant Classification Sherloc (09022015). Collection method: clinical testing. Allele origin: germline.
Comment: This sequence change creates a premature translational stop signal (p.Ile238Leufs*15) in the ATM gene. It is expected to result in an absent or disrupted protein product. Loss-of-function variants in ATM are known to be pathogenic (PMID: 23807571, 25614872). This variant is not present in population databases (gnomAD no frequency). This variant has not been reported in the literature in individuals affected with ATM-related conditions. For these reasons, this variant has been classified as Pathogenic.

Literature cited by the submitters: PubMed 23807571; PubMed 25614872.

NM_000051.4(ATM):c.712_713del (p.Ile238fs)

Gene: ATM (ATM serine/threonine kinase; plus strand). Cytogenetic location: 11q22.3.
Variant type: Deletion.
Coding change: c.712_713del on transcript NM_000051.4 (MANE Select); coding-DNA positions 712 to 713, 2 bases deleted (AT; older notation c.712_713delAT).
Protein change: p.Ile238fs; shifts the reading frame from isoleucine 238.
Molecular consequence: frameshift variant.
Genome position (GRCh38, 1-based): chr11:108,244,837-108,244,838, AT deleted; deleting any 2 consecutive bases within chr11:108,244,836-108,244,838 gives the same sequence; the c. name uses the placement nearest the transcript's 3' end. VCF-style (leftmost placement, unchanged base first): chr11-108244835-CTA-C. GRCh37 (hg19) VCF-style: chr11-108115562-CTA-C.
Other names: c.712_713del, p.Ile238fs (NM_001351834.2); short protein forms I238fs.
Identifiers: ClinVar variation 3660959 (VCV003660959.2).